The following is an entry in ClinVar:

NM_020738.4(KIDINS220):c.504+3A>C

Gene: KIDINS220 (kinase D interacting substrate 220; minus strand). Cytogenetic location: 2p25.1.
Variant type: single nucleotide variant.
Coding change: c.504+3A>C on transcript NM_020738.4 (MANE Select); 3 bases into the intron after coding-DNA position 504, A replaced by C.
Molecular consequence: intron variant.
Genome position (GRCh38, 1-based): chr2:8,812,392, T>G on the plus strand (A>C on the coding strand, the complement: KIDINS220 is on the minus strand). VCF-style: chr2-8812392-T-G. GRCh37 (hg19) VCF-style: chr2-8952522-T-G.
Other names: c.504+3A>C (NM_020738.2, NM_001348741.2, NM_001348738.2 and 4 more transcripts); c.507+3A>C (NM_001348739.2, NM_001348740.2, NM_001348734.2 and 3 more transcripts); c.378+3A>C (NM_001348736.2).
Identifiers: ClinVar variation 1924144 (VCV001924144.6), dbSNP rs764039387, ClinGen allele CA1520416.
Genomic context (GRCh38, chr2:8,812,392, plus strand): 5'-TATAACTTAGACACTGAGTGGACATAACATGGACTGGAACCTGAAAAGATGCTGCTGACC[T>G]ACCTTATCAGAGCAGTTGACTTTAGCACCATTTTGCAGTAAAAGATGAACTATATCTGCA-3'

ClinVar aggregate classification (germline): Uncertain significance. Review status: criteria provided, multiple submitters, no conflicts (2 of 4 stars). 2 submissions from 2 submitters: Uncertain significance (2). Last evaluated 2025-12-17.

Conditions:
KIDINS220-related disorder. Also called: KIDINS220-related condition.

Allele frequency attached by ClinVar (database versions not stated): gnomAD exomes below 0.00001; TOPMed below 0.00001; ExAC 0.00001.
gnomAD v4.1: 1 of 1,565,196 alleles (0.000064%); highest among the groups gnomAD compares: Admixed American, 0.0018%; no homozygotes.

Submissions (2):

PreventionGenetics, part of Exact Sciences
Classification: Uncertain significance for KIDINS220-related condition. Last evaluated: 2025-12-17. Review status: criteria provided, single submitter. Criteria: ACMG Guidelines, 2015. Collection method: clinical testing. Allele origin: germline.
Comment: The KIDINS220 c.504+3A>C variant is predicted to interfere with splicing. This variant is predicted to weaken the canonical splice donor site (SpliceAI, Jaganathan et al. 2019. PubMed ID: 30661751). To our knowledge, this variant has not been reported in the literature. This variant is reported in 0.0066% of alleles in individuals of Latino descent in gnomAD. At this time, the clinical significance of this variant is uncertain due to the absence of conclusive functional and genetic evidence.

Labcorp Genetics (formerly Invitae), Labcorp
Classification: Uncertain significance. Last evaluated: 2024-04-22. Review status: criteria provided, single submitter. Criteria: Invitae Variant Classification Sherloc (09022015). Collection method: clinical testing. Allele origin: germline.
Comment: This sequence change falls in intron 6 of the KIDINS220 gene. It does not directly change the encoded amino acid sequence of the KIDINS220 protein. It affects a nucleotide within the consensus splice site. This variant is present in population databases (rs764039387, gnomAD 0.007%). This variant has not been reported in the literature in individuals affected with KIDINS220-related conditions. ClinVar contains an entry for this variant (Variation ID: 1924144). Variants that disrupt the consensus splice site are a relatively common cause of aberrant splicing (PMID: 17576681, 9536098). Algorithms developed to predict the effect of sequence changes on RNA splicing suggest that this variant may disrupt the consensus splice site. In summary, the available evidence is currently insufficient to determine the role of this variant in disease. Therefore, it has been classified as a Variant of Uncertain Significance.

Literature cited by the submitters: PubMed 17576681 (cited by Labcorp Genetics (formerly Invitae), Labcorp); PubMed 9536098 (cited by Labcorp Genetics (formerly Invitae), Labcorp).